The following is an entry in ClinVar:

NM_203447.4(DOCK8):c.3543A>G (p.Val1181=)

Gene: DOCK8 (dedicator of cytokinesis 8; plus strand). Cytogenetic location: 9p24.3.
Variant type: single nucleotide variant.
Coding change: c.3543A>G on transcript NM_203447.4 (MANE Select); coding-DNA position 3543, A replaced by G.
Protein change: p.Val1181=; no amino-acid change (valine 1181 retained).
Molecular consequence: synonymous variant.
Genome position (GRCh38, 1-based): chr9:414,794, A>G. VCF-style: chr9-414794-A-G. GRCh37 (hg19) VCF-style: chr9-414794-A-G.
Other names: c.3243A>G, p.Val1081= (NM_001190458.2); c.3339A>G, p.Val1113= (NM_001193536.2).
Identifiers: ClinVar variation 227329 (VCV000227329.19), dbSNP rs753242273, ClinGen allele CA4958745.

ClinVar aggregate classification (germline): Conflicting classifications of pathogenicity. Review status: criteria provided, conflicting classifications (1 of 4 stars). 3 submissions from 3 submitters: Uncertain significance (1); Likely benign (2). Last evaluated 2026-01-20.

Conditions:
Combined immunodeficiency due to DOCK8 deficiency (HIES2). Also called: HIES autosomal recessive; DOCK8 Deficiency; HYPER-IgE SYNDROME 2, AUTOSOMAL RECESSIVE, WITH RECURRENT INFECTIONS; Hyper-IgE recurrent infection syndrome, autosomal recessive; HYPER-IgE RECURRENT INFECTION SYNDROME 2, AUTOSOMAL RECESSIVE. Identifiers: Orphanet 217390, MedGen C4722305, MONDO:0009478, OMIM 243700.

Allele frequency attached by ClinVar (database versions not stated): ExAC 0.00005; gnomAD exomes 0.00005 and 0.00007; gnomAD 0.00008; TOPMed 0.00008.
gnomAD v4.1: 123 of 1,614,112 alleles (0.0076%); highest among the groups gnomAD compares: Non-Finnish European, 0.0088%; no homozygotes.

Submissions (3):

Labcorp Genetics (formerly Invitae), Labcorp
Classification: Likely benign for Combined immunodeficiency due to DOCK8 deficiency. Last evaluated: 2026-01-20. Review status: criteria provided, single submitter. Criteria: Invitae Variant Classification Sherloc (09022015). Collection method: clinical testing. Allele origin: germline.

Illumina Laboratory Services, Illumina
Classification: Uncertain significance for Combined immunodeficiency due to DOCK8 deficiency. Last evaluated: 2018-01-13. Review status: criteria provided, single submitter. Criteria: ICSL Variant Classification Criteria 13 December 2019. Collection method: clinical testing. Allele origin: germline.

Laboratory for Molecular Medicine, Mass General Brigham Personalized Medicine
Classification: Likely benign. Last evaluated: 2015-09-02. Review status: criteria provided, single submitter. Criteria: LMM Criteria. Collection method: clinical testing. Allele origin: germline. Observed: 1 variant allele.
Comment: p.Val3543Val in exon 29 of DOCK8: This variant is not expected to have clinical significance because it does not alter an amino acid residue and is not located within the splice consensus sequence. It has been identified in 6/66738 of Europ ean chromosomes by the Exome Aggregation Consortium (ExAC).